The following is an entry in ClinVar:

NM_139125.4(MASP1):c.501C>G (p.Ser167=)

Gene: MASP1 (MBL associated serine protease 1; minus strand). Cytogenetic location: 3q27.3.
Variant type: single nucleotide variant.
Coding change: c.501C>G on transcript NM_139125.4 (MANE Select); coding-DNA position 501, C replaced by G.
Protein change: p.Ser167=; no amino-acid change (serine 167 retained).
Molecular consequence: synonymous variant. On other transcripts: non-coding transcript variant (1).
Genome position (GRCh38, 1-based): chr3:187,260,787, G>C on the plus strand (C>G on the coding strand, the complement: MASP1 is on the minus strand). VCF-style: chr3-187260787-G-C. GRCh37 (hg19) VCF-style: chr3-186978575-G-C.
Other names: c.501C>G, p.Ser167= (NM_001031849.3, NM_001879.6); c.501C>G (NM_139125.3).
Identifiers: ClinVar variation 282142 (VCV000282142.12), dbSNP rs16861801, ClinGen allele CA2749612.

ClinVar aggregate classification (germline): Conflicting classifications of pathogenicity. Review status: criteria provided, conflicting classifications (1 of 4 stars). 4 submissions from 4 submitters: Uncertain significance (1); Benign (1); Likely benign (1). 1 of the submissions does not count toward it. Last evaluated 2025-08-29.

Conditions:
MASP1-related disorder. Also called: MASP1-related condition.
3MC syndrome 1. Also called: MICHELS SYNDROME; CRANIOSYNOSTOSIS WITH LID ANOMALIES; OCULOPALATOSKELETAL SYNDROME. Identifiers: Orphanet 293843, MedGen C0796059, MONDO:0009770, OMIM 257920.

Allele frequency attached by ClinVar (database versions not stated): gnomAD exomes 0.00008 and 0.00027; ExAC 0.00034; gnomAD 0.00098 and 0.00106; TOPMed 0.00107; ESP Exome Variant Server 0.00123; 1000 Genomes Project 30x 0.00125; 1000 Genomes Project 0.00140.
gnomAD v4.1: 279 of 1,614,064 alleles (0.017%); highest among the groups gnomAD compares: African/African-American, 0.32%; no homozygotes.

Submissions (4):

Labcorp Genetics (formerly Invitae), Labcorp
Classification: Benign for 3MC syndrome 1. Last evaluated: 2025-08-29. Review status: criteria provided, single submitter. Criteria: Invitae Variant Classification Sherloc (09022015). Collection method: clinical testing. Allele origin: germline.

Blueprint Genetics
Classification: Likely benign. Last evaluated: 2024-08-26. Review status: criteria provided, single submitter. Criteria: ACMG Guidelines, 2015. Collection method: clinical testing. Allele origin: germline.

Eurofins Ntd Llc (ga)
Classification: Uncertain significance. Last evaluated: 2015-07-24. Review status: criteria provided, single submitter. Criteria: EGL Classification Definitions 2015. Collection method: clinical testing. Allele origin: germline. Observed: 1 variant allele, 1 heterozygote.

PreventionGenetics, part of Exact Sciences
Classification: Likely benign for MASP1-related condition. Last evaluated: 2019-12-24. Review status: no assertion criteria provided. Collection method: clinical testing. Allele origin: germline. Not counted in ClinVar's aggregate classification.
Comment: This variant is classified as likely benign based on ACMG/AMP sequence variant interpretation guidelines (Richards et al. 2015 PMID: 25741868, with internal and published modifications).